The following is an entry in ClinVar:

NM_006180.6(NTRK2):c.1688G>C (p.Gly563Ala)

Gene: NTRK2 (neurotrophic receptor tyrosine kinase 2; plus strand). Cytogenetic location: 9q21.33.
Variant type: single nucleotide variant.
Coding change: c.1688G>C on transcript NM_006180.6 (MANE Select); coding-DNA position 1688, G replaced by C.
Protein change: p.Gly563Ala; replaces glycine 563 with alanine.
Molecular consequence: missense variant.
Genome position (GRCh38, 1-based): chr9:84,934,216, G>C. VCF-style: chr9-84934216-G-C. GRCh37 (hg19) VCF-style: chr9-87549131-G-C.
Other names: c.1640G>C, p.Gly547Ala (NM_001018064.3, NM_001369532.1, NM_001369533.1); c.1604G>C, p.Gly535Ala (NM_001369534.1); c.1172G>C, p.Gly391Ala (NM_001369535.1); c.1220G>C, p.Gly407Ala (NM_001369536.1); c.1688G>C, p.Gly563Ala (NM_001381928.1); short protein forms G391A, G407A, G535A, G547A, G563A.
Identifiers: ClinVar variation 2503350 (VCV002503350.1), dbSNP rs2491373072, ClinGen allele CA374006419.

ClinVar aggregate classification (germline): Uncertain significance (1 of 4 stars; one submission).

Submission:

GeneDx
Classification: Uncertain significance. Last evaluated: 2022-11-25. Review status: criteria provided, single submitter. Criteria: GeneDx Variant Classification Process June 2021. Collection method: clinical testing. Allele origin: germline. Affected: yes.
Comment: Not observed at significant frequency in large population cohorts (gnomAD); In silico analysis supports that this missense variant has a deleterious effect on protein structure/function; Has not been previously published as pathogenic or benign to our knowledge